The following is an entry in ClinVar:

ClinVar aggregate classification (germline): Uncertain significance (1 of 4 stars; one submission).

Conditions:
Hyperinsulinism due to INSR deficiency. Also called: Hyperinsulinism due to glutamodehydrogenase deficiency. Identifiers: Orphanet 263458, MedGen C1864952, MONDO:0012381, OMIM 609968.

Submission:

Neuberg Centre For Genomic Medicine, NCGM
Classification: Uncertain significance for Hyperinsulinism due to INSR deficiency. Last evaluated: 2023-02-14. Review status: criteria provided, single submitter. Criteria: ACMG Guidelines, 2015. Collection method: clinical testing. Allele origin: germline. Inheritance: Autosomal dominant inheritance. Affected: yes.
Comment: The missense c.1973T>G (p.Phe658Cys) variant in INSR gene has not been reported previously as a pathogenic variant nor as a benign variant, to our knowledge. The p.Phe658Cys variant is novel (not in any individuals) in gnomAD Exomes and 1000 Genomes. This variant has not been reported to the ClinVar database. The amino acid change p.Phe658Cys in INSR is predicted as conserved by PhyloP across 100 vertebrates. The amino acid Phe at position 658 is changed to a Cys changing protein sequence and it might alter its composition and physico-chemical properties. For these reasons, this variant has been classified as Variant of Uncertain Significance (VUS).

NM_000208.4(INSR):c.1973T>G (p.Phe658Cys)

Gene: INSR (insulin receptor; minus strand). Cytogenetic location: 19p13.2.
Variant type: single nucleotide variant.
Coding change: c.1973T>G on transcript NM_000208.4 (MANE Select); coding-DNA position 1973, T replaced by G.
Protein change: p.Phe658Cys; replaces phenylalanine 658 with cysteine.
Molecular consequence: missense variant.
Genome position (GRCh38, 1-based): chr19:7,163,088, A>C on the plus strand (T>G on the coding strand, the complement: INSR is on the minus strand). VCF-style: chr19-7163088-A-C. GRCh37 (hg19) VCF-style: chr19-7163099-A-C.
Other names: c.1973T>G, p.Phe658Cys (NM_001079817.3); short protein forms F658C.
Identifiers: ClinVar variation 2671776 (VCV002671776.1), dbSNP rs2512354088, ClinGen allele CA403665917.